The following is an entry in ClinVar:

ClinVar aggregate classification (germline): Uncertain significance (1 of 4 stars; one submission).

Conditions:
DYRK1A-related intellectual disability syndrome (MRD7). Also called: DYRK1A Syndrome; Intellectual developmental disorder, autosomal dominant 7. Identifiers: Orphanet 464306, MedGen C5568143, MONDO:0013578, OMIM 614104.

Submission:

Labcorp Genetics (formerly Invitae), Labcorp
Classification: Uncertain significance for DYRK1A-related intellectual disability syndrome. Last evaluated: 2024-01-22. Review status: criteria provided, single submitter. Criteria: Invitae Variant Classification Sherloc (09022015). Collection method: clinical testing. Allele origin: germline.
Comment: This sequence change replaces isoleucine, which is neutral and non-polar, with asparagine, which is neutral and polar, at codon 74 of the DYRK1A protein (p.Ile74Asn). This variant is not present in population databases (gnomAD no frequency). This variant has not been reported in the literature in individuals affected with DYRK1A-related conditions. ClinVar contains an entry for this variant (Variation ID: 2075494). Advanced modeling of protein sequence and biophysical properties (such as structural, functional, and spatial information, amino acid conservation, physicochemical variation, residue mobility, and thermodynamic stability) performed at Invitae indicates that this missense variant is not expected to disrupt DYRK1A protein function with a negative predictive value of 95%. In summary, the available evidence is currently insufficient to determine the role of this variant in disease. Therefore, it has been classified as a Variant of Uncertain Significance.

NM_001347721.2(DYRK1A):c.208-14T>A

Gene: DYRK1A (dual specificity tyrosine phosphorylation regulated kinase 1A; plus strand). Cytogenetic location: 21q22.13.
Variant type: single nucleotide variant.
Coding change: c.208-14T>A on transcript NM_001347721.2 (MANE Select); 14 bases into the intron before coding-DNA position 208, T replaced by A.
Molecular consequence: intron variant. On other transcripts: missense variant (3).
Genome position (GRCh38, 1-based): chr21:37,478,194, T>A. VCF-style: chr21-37478194-T-A. GRCh37 (hg19) VCF-style: chr21-38850496-T-A.
Other names: c.221T>A, p.Ile74Asn (NM_001396.5, NM_101395.2, NM_130438.2); c.208-14T>A (NM_001347722.2, NM_130436.2); c.121-14T>A (NM_001347723.2); short protein forms I74N.
Identifiers: ClinVar variation 2075494 (VCV002075494.4), dbSNP rs1569360369, ClinGen allele CA409943276.